The following is an entry in ClinVar:

NM_024408.4(NOTCH2):c.2475C>T (p.Tyr825=)

Gene: NOTCH2 (notch receptor 2; minus strand). Cytogenetic location: 1p12.
Variant type: single nucleotide variant.
Coding change: c.2475C>T on transcript NM_024408.4 (MANE Select); coding-DNA position 2475, C replaced by T.
Protein change: p.Tyr825=; no amino-acid change (tyrosine 825 retained).
Molecular consequence: synonymous variant.
Genome position (GRCh38, 1-based): chr1:119,950,728, G>A on the plus strand (C>T on the coding strand, the complement: NOTCH2 is on the minus strand). VCF-style: chr1-119950728-G-A. GRCh37 (hg19) VCF-style: chr1-120493351-G-A.
Other names: c.2475C>T, p.Tyr825= (NM_001200001.2); c.2475C>T (NM_024408.3).
Identifiers: ClinVar variation 2045192 (VCV002045192.7), dbSNP rs146068249, ClinGen allele CA1040301.

ClinVar aggregate classification (germline): Benign/Likely benign. Review status: criteria provided, multiple submitters, no conflicts (2 of 4 stars). 3 submissions from 3 submitters: Benign (1); Likely benign (1). 1 of the submissions does not count toward it. Last evaluated 2026-02-02.

Conditions:
Hajdu-Cheney syndrome (HJCYS). Also called: Acroosteolysis dominant type; SERPENTINE FIBULA-POLYCYSTIC KIDNEY SYNDROME; ACROOSTEOLYSIS WITH OSTEOPOROSIS AND CHANGES IN SKULL AND MANDIBLE. Identifiers: Orphanet 955, MedGen C0917715, MONDO:0007057, OMIM 102500.
NOTCH2-related disorder. Also called: NOTCH2-related condition.

Allele frequency attached by ClinVar (database versions not stated): gnomAD exomes 0.00009; gnomAD 0.00012; TOPMed 0.00012; ExAC 0.00014; ESP Exome Variant Server 0.00015.
gnomAD v4.1: 159 of 1,608,048 alleles (0.0099%); highest among the groups gnomAD compares: African/African-American, 0.0027%; no homozygotes.

Submissions (3):

Labcorp Genetics (formerly Invitae), Labcorp
Classification: Benign for Hajdu-Cheney syndrome. Last evaluated: 2026-02-02. Review status: criteria provided, single submitter. Criteria: Invitae Variant Classification Sherloc (09022015). Collection method: clinical testing. Allele origin: germline.

Blueprint Genetics
Classification: Likely benign. Last evaluated: 2022-08-10. Review status: criteria provided, single submitter. Criteria: ACMG Guidelines, 2015. Collection method: clinical testing. Allele origin: germline.

PreventionGenetics, part of Exact Sciences
Classification: Likely benign for NOTCH2-related condition. Last evaluated: 2022-01-17. Review status: no assertion criteria provided. Collection method: clinical testing. Allele origin: germline. Not counted in ClinVar's aggregate classification.
Comment: This variant is classified as likely benign based on ACMG/AMP sequence variant interpretation guidelines (Richards et al. 2015 PMID: 25741868, with internal and published modifications).